The following is an entry in ClinVar:

NM_001042492.3(NF1):c.2851-161G>C

Gene: NF1 (neurofibromin 1; plus strand). Cytogenetic location: 17q11.2.
Variant type: single nucleotide variant.
Coding change: c.2851-161G>C on transcript NM_001042492.3 (MANE Select); 161 bases into the intron before coding-DNA position 2851, G replaced by C.
Molecular consequence: intron variant.
Genome position (GRCh38, 1-based): chr17:31,229,674, G>C. VCF-style: chr17-31229674-G-C. GRCh37 (hg19) VCF-style: chr17-29556692-G-C.
Other names: c.2851-161G>C (NM_000267.4).
Identifiers: ClinVar variation 3350511 (VCV003350511.1).
Genomic context (GRCh38, chr17:31,229,674, plus strand): 5'-GGGTCAGCTTGCCTCTTAGGAACTCTGGTGTGTATGTGTGCCTAAGGGTATACGTGCCCT[G>C]TGTATGGGTACGAGTGTCTGCGTATATCTGTATGCTTATTTGGCTCTATGCCTGTGGGTG-3'

ClinVar aggregate classification (germline): Likely benign (0 of 4 stars; one submission).

Conditions:
NF1-related disorder. Also called: NF1-related condition. Identifiers: MedGen CN379171.

gnomAD v4.1: 131 of 1,006,332 alleles (0.013%); highest among the groups gnomAD compares: African/African-American, 0.2%; no homozygotes.

Submission:

PreventionGenetics, part of Exact Sciences
Classification: Likely benign for NF1-related condition. Last evaluated: 2024-07-11. Review status: no assertion criteria provided. Collection method: clinical testing. Allele origin: germline.
Comment: This variant is classified as likely benign based on ACMG/AMP sequence variant interpretation guidelines (Richards et al. 2015 PMID: 25741868, with internal and published modifications).